The following is an entry in ClinVar:

ClinVar aggregate classification (germline): Uncertain significance. Review status: criteria provided, multiple submitters, no conflicts (2 of 4 stars). 3 submissions from 3 submitters: Uncertain significance (3). Last evaluated 2025-08-07.

Conditions:
Hereditary cancer-predisposing syndrome. Also called: Tumor predisposition; Neoplastic Syndromes, Hereditary; Hereditary Cancer Syndrome; Hereditary neoplastic syndrome. Identifiers: Orphanet 140162, MedGen C0027672, MeSH D009386, MONDO:0015356.
Multiple endocrine neoplasia type 4. Also called: MULTIPLE ENDOCRINE NEOPLASIA, TYPE IV. Identifiers: Orphanet 276152, MedGen C1970712, MONDO:0012552, OMIM 610755.

Allele frequency attached by ClinVar (database versions not stated): gnomAD exomes below 0.00001 and 0.00002; gnomAD 0.00001; TOPMed 0.00002.
gnomAD v4.1: 30 of 1,613,950 alleles (0.0019%); highest among the groups gnomAD compares: Non-Finnish European, 0.0025%; no homozygotes.

Submissions (3):

Labcorp Genetics (formerly Invitae), Labcorp
Classification: Uncertain significance for Multiple endocrine neoplasia type 4. Last evaluated: 2025-08-07. Review status: criteria provided, single submitter. Criteria: Invitae Variant Classification Sherloc (09022015). Collection method: clinical testing. Allele origin: germline.
Comment: This sequence change replaces arginine, which is basic and polar, with lysine, which is basic and polar, at codon 166 of the CDKN1B protein (p.Arg166Lys). This variant is present in population databases (no rsID available, gnomAD 0.003%). This variant has not been reported in the literature in individuals affected with CDKN1B-related conditions. ClinVar contains an entry for this variant (Variation ID: 404273). An algorithm developed to predict the effect of missense changes on protein structure and function (PolyPhen-2) suggests that this variant is likely to be tolerated. In summary, the available evidence is currently insufficient to determine the role of this variant in disease. Therefore, it has been classified as a Variant of Uncertain Significance.

Ambry Genetics
Classification: Uncertain significance for Hereditary cancer-predisposing syndrome. Last evaluated: 2024-10-11. Review status: criteria provided, single submitter. Criteria: Ambry Variant Classification Scheme 2023. Collection method: clinical testing. Allele origin: germline.
Comment: The p.R166K variant (also known as c.497G>A), located in coding exon 2 of the CDKN1B gene, results from a G to A substitution at nucleotide position 497. The arginine at codon 166 is replaced by lysine, an amino acid with highly similar properties. This amino acid position is highly conserved in available vertebrate species. In addition, this alteration is predicted to be tolerated by in silico analysis. Since supporting evidence is limited at this time, the clinical significance of this alteration remains unclear.

Baylor Genetics
Classification: Uncertain significance for Multiple endocrine neoplasia type 4. Last evaluated: 2023-09-04. Review status: criteria provided, single submitter. Criteria: ACMG Guidelines, 2015. Collection method: clinical testing. Allele origin: unknown.

NM_004064.5(CDKN1B):c.497G>A (p.Arg166Lys)

Gene: CDKN1B (cyclin dependent kinase inhibitor 1B; plus strand). Cytogenetic location: 12p13.1.
Variant type: single nucleotide variant.
Coding change: c.497G>A on transcript NM_004064.5 (MANE Select); coding-DNA position 497, G replaced by A.
Protein change: p.Arg166Lys; replaces arginine 166 with lysine.
Molecular consequence: missense variant.
Genome position (GRCh38, 1-based): chr12:12,718,846, G>A. VCF-style: chr12-12718846-G-A. GRCh37 (hg19) VCF-style: chr12-12871780-G-A.
Other names: short protein forms R166K.
Identifiers: ClinVar variation 404273 (VCV000404273.15), dbSNP rs1060500189, ClinGen allele CA16613552.